The following is an entry in ClinVar:

NM_002968.3(SALL1):c.1731C>G (p.Pro577=)

Gene: SALL1 (spalt like transcription factor 1; minus strand). Cytogenetic location: 16q12.1.
Variant type: single nucleotide variant.
Coding change: c.1731C>G on transcript NM_002968.3 (MANE Select); coding-DNA position 1731, C replaced by G.
Protein change: p.Pro577=; no amino-acid change (proline 577 retained).
Molecular consequence: synonymous variant.
Genome position (GRCh38, 1-based): chr16:51,140,491, G>C on the plus strand (C>G on the coding strand, the complement: SALL1 is on the minus strand). VCF-style: chr16-51140491-G-C. GRCh37 (hg19) VCF-style: chr16-51174402-G-C.
Other names: c.1440C>G, p.Pro480= (NM_001127892.2).
Identifiers: ClinVar variation 2804372 (VCV002804372.5), dbSNP rs767216757, ClinGen allele CA8053240.

ClinVar aggregate classification (germline): Benign/Likely benign. Review status: criteria provided, multiple submitters, no conflicts (2 of 4 stars). 2 submissions from 2 submitters: Benign (1); Likely benign (1). Last evaluated 2026-06-01.

Conditions:
Townes syndrome (TBS). Also called: Townes-Brocks syndrome. Identifiers: Orphanet 857, MedGen C0265246, MeSH C536974, MONDO:0007142.

Allele frequency attached by ClinVar (database versions not stated): gnomAD 0.00001; TOPMed 0.00003; ExAC 0.00007.

Submissions (2):

CeGaT Center for Human Genetics Tuebingen
Classification: Likely benign. Last evaluated: 2026-06-01. Review status: criteria provided, single submitter. Criteria: CeGaT Center For Human Genetics Tuebingen Variant Classification Criteria Version 2. Collection method: clinical testing. Allele origin: germline. Affected: yes. Observed: 1 variant allele.
Comment: SALL1: BP4, BP7

Labcorp Genetics (formerly Invitae), Labcorp
Classification: Benign for Townes syndrome. Last evaluated: 2025-09-13. Review status: criteria provided, single submitter. Criteria: Invitae Variant Classification Sherloc (09022015). Collection method: clinical testing. Allele origin: germline.